The following is an entry in ClinVar:

NM_000110.4(DPYD):c.2843T>C (p.Ile948Thr)

Gene: DPYD (dihydropyrimidine dehydrogenase; minus strand). Cytogenetic location: 1p21.3.
Variant type: single nucleotide variant.
Coding change: c.2843T>C on transcript NM_000110.4 (MANE Select); coding-DNA position 2843, T replaced by C.
Protein change: p.Ile948Thr; replaces isoleucine 948 with threonine.
Molecular consequence: missense variant.
Genome position (GRCh38, 1-based): chr1:97,082,394, A>G on the plus strand (T>C on the coding strand, the complement: DPYD is on the minus strand). VCF-style: chr1-97082394-A-G. GRCh37 (hg19) VCF-style: chr1-97547950-A-G.
Other names: short protein forms I948T.
Identifiers: ClinVar variation 2581397 (VCV002581397.1), dbSNP rs372307932, ClinGen allele CA341374201.

ClinVar aggregate classification (germline): Likely pathogenic (1 of 4 stars; one submission).

Conditions:
Dihydropyrimidine dehydrogenase deficiency (DPYDD). Also called: Hereditary Thymine-Uraciluria; DPD DEFICIENCY; DPYD DEFICIENCY. Identifiers: Orphanet 1675, MedGen C1959620, MONDO:0010130, OMIM 274270.

gnomAD v4.1: 7 of 1,613,674 alleles (0.00043%); highest among the groups gnomAD compares: East Asian, 0.0022%; no homozygotes.

Submission:

Women's Health and Genetics/Laboratory Corporation of America, LabCorp
Classification: Likely pathogenic for Dihydropyrimidine dehydrogenase deficiency. Last evaluated: 2023-08-28. Review status: criteria provided, single submitter. Criteria: LabCorp Variant Classification Summary - May 2015. Collection method: clinical testing. Allele origin: germline.
Comment: Variant summary: DPYD c.2843T>C (p.Ile948Thr) results in a non-conservative amino acid change located in the 4Fe-4S ferredoxin-type, iron-sulphur binding domain (IPR017896) of the encoded protein sequence. Five of five in-silico tools predict a damaging effect of the variant on protein function. The variant allele was found at a frequency of 4e-06 in 251252 control chromosomes (gnomAD). c.2843T>C has been reported in the literature in individuals affected with Dihydropyrimidine Dehydrogenase Deficiency (van Kuilenburg_2017, Coenen_2019). These data indicate that the variant may be associated with disease. At least one publication reports experimental evidence evaluating an impact on protein function, finding that cells expressing the variant protein have 30% of wildtype DPD activity (van Kuilenburg_2017). The following publications have been ascertained in the context of this evaluation (PMID: 28024938, 30510603). No submitters have cited clinical-significance assessments for this variant to ClinVar after 2014. Based on the evidence outlined above, the variant was classified as likely pathogenic.

Literature cited by the submitters: PubMed 30510603; PubMed 28024938.